The following is an entry in ClinVar:

NM_206933.4(USH2A):c.4370C>A (p.Ser1457Ter)

Gene: USH2A (usherin; minus strand). Cytogenetic location: 1q41.
Variant type: single nucleotide variant.
Coding change: c.4370C>A on transcript NM_206933.4 (MANE Select); coding-DNA position 4370, C replaced by A.
Protein change: p.Ser1457Ter; replaces serine 1457 with a stop codon.
Molecular consequence: nonsense.
Genome position (GRCh38, 1-based): chr1:216,190,249, G>T on the plus strand (C>A on the coding strand, the complement: USH2A is on the minus strand). VCF-style: chr1-216190249-G-T. GRCh37 (hg19) VCF-style: chr1-216363591-G-T.
Other names: c.4370C>A, p.Ser1457Ter (NM_007123.6); short protein forms S1457*.
Identifiers: ClinVar variation 1075766 (VCV001075766.7), dbSNP rs2034688425, ClinGen allele CA344865140.

ClinVar aggregate classification (germline): Pathogenic (1 of 4 stars; one submission).

Submission:

Labcorp Genetics (formerly Invitae), Labcorp
Classification: Pathogenic. Last evaluated: 2022-09-25. Review status: criteria provided, single submitter. Criteria: Invitae Variant Classification Sherloc (09022015). Collection method: clinical testing. Allele origin: germline.
Comment: ClinVar contains an entry for this variant (Variation ID: 1075766). This premature translational stop signal has been observed in individual(s) with retinitis pigmentosa (PMID: 26667666). This variant is not present in population databases (gnomAD no frequency). This sequence change creates a premature translational stop signal (p.Ser1457*) in the USH2A gene. It is expected to result in an absent or disrupted protein product. Loss-of-function variants in USH2A are known to be pathogenic (PMID: 10729113, 10909849, 20507924, 25649381). For these reasons, this variant has been classified as Pathogenic. Algorithms developed to predict the effect of sequence changes on RNA splicing suggest that this variant may disrupt the consensus splice site.

Literature cited by the submitters: PubMed 26667666; PubMed 10729113; PubMed 10909849; PubMed 20507924; PubMed 25649381.